The following is an entry in ClinVar:

ClinVar aggregate classification (germline): Likely pathogenic. Review status: criteria provided, multiple submitters, no conflicts (2 of 4 stars). 2 submissions from 2 submitters: Likely pathogenic (2). Last evaluated 2018-11-26.

Submissions (2):

GeneDx
Classification: Likely pathogenic. Last evaluated: 2018-11-26. Review status: criteria provided, single submitter. Criteria: GeneDx Variant Classification (06012015). Collection method: clinical testing. Allele origin: germline. Affected: yes.
Comment: The Y263X nonsense variant in the PLP1 gene is predicted to cause loss of normal protein function through protein truncation as the last 15 amino acids of the protein are lost. The Y263X variant is not observed in large population cohorts (Lek et al., 2016). Therefore, this variant is likely pathogenic; however, the possibility that it is benign cannot be excluded.

Athena Diagnostics
Classification: Likely pathogenic. Last evaluated: 2016-10-20. Review status: criteria provided, single submitter. Criteria: Athena Diagnostics Criteria. Collection method: clinical testing. Allele origin: germline.

NM_000533.5(PLP1):c.789C>A (p.Tyr263Ter)

Genes: PLP1 (proteolipid protein 1; plus strand), RAB9B (RAB9B, member RAS oncogene family; minus strand). Cytogenetic location: Xq22.2.
Variant type: single nucleotide variant.
Coding change: c.789C>A on transcript NM_000533.5 (MANE Select); coding-DNA position 789, C replaced by A.
Protein change: p.Tyr263Ter; replaces tyrosine 263 with a stop codon.
Molecular consequence: nonsense.
Genome position (GRCh38, 1-based): chrX:103,790,553, C>A. VCF-style: chrX-103790553-C-A. GRCh37 (hg19) VCF-style: chrX-103045481-C-A.
Other names: c.789C>A, p.Tyr263Ter (NM_001128834.3); c.624C>A, p.Tyr208Ter (NM_001305004.1); c.684C>A, p.Tyr228Ter (NM_199478.3); short protein forms Y263*, Y208*, Y228*.
Identifiers: ClinVar variation 448087 (VCV000448087.1), dbSNP rs1556273075, ClinGen allele CA414104917.